The following is an entry in ClinVar:

ClinVar aggregate classification (germline): Uncertain significance. Review status: criteria provided, multiple submitters, no conflicts (2 of 4 stars). 2 submissions from 2 submitters: Uncertain significance (2). Last evaluated 2025-02-26.

Allele frequency attached by ClinVar (database versions not stated): gnomAD 0.00001; TOPMed 0.00003.

Submissions (2):

GeneDx
Classification: Uncertain significance. Last evaluated: 2025-02-26. Review status: criteria provided, single submitter. Criteria: GeneDx Variant Classification Process June 2021. Collection method: clinical testing. Allele origin: germline. Affected: yes.
Comment: Not observed at significant frequency in large population cohorts (gnomAD); In silico analysis indicates that this missense variant does not alter protein structure/function; Has not been previously published as pathogenic or benign to our knowledge

Ambry Genetics
Classification: Uncertain significance. Last evaluated: 2024-03-01. Review status: criteria provided, single submitter. Criteria: Ambry Variant Classification Scheme 2023. Collection method: clinical testing. Allele origin: germline.

NM_021096.4(CACNA1I):c.1665C>G (p.Cys555Trp)

Gene: CACNA1I (calcium voltage-gated channel subunit alpha1 I; plus strand). Cytogenetic location: 22q13.1.
Variant type: single nucleotide variant.
Coding change: c.1665C>G on transcript NM_021096.4 (MANE Select); coding-DNA position 1665, C replaced by G.
Protein change: p.Cys555Trp; replaces cysteine 555 with tryptophan.
Molecular consequence: missense variant.
Genome position (GRCh38, 1-based): chr22:39,649,598, C>G. VCF-style: chr22-39649598-C-G. GRCh37 (hg19) VCF-style: chr22-40045603-C-G.
Other names: c.1560C>G, p.Cys520Trp (NM_001003406.2); short protein forms C520W, C555W.
Identifiers: ClinVar variation 3136417 (VCV003136417.2), dbSNP rs1050382500, ClinGen allele CA324452233.